The following is an entry in ClinVar:

NM_015466.4(PTPN23):c.170G>A (p.Arg57His)

Gene: PTPN23 (protein tyrosine phosphatase non-receptor type 23; plus strand). Cytogenetic location: 3p21.31.
Variant type: single nucleotide variant.
Coding change: c.170G>A on transcript NM_015466.4 (MANE Select); coding-DNA position 170, G replaced by A.
Protein change: p.Arg57His; replaces arginine 57 with histidine.
Molecular consequence: missense variant. On other transcripts: intron variant (1).
Genome position (GRCh38, 1-based): chr3:47,404,662, G>A. VCF-style: chr3-47404662-G-A. GRCh37 (hg19) VCF-style: chr3-47446152-G-A.
Other names: c.-91-343G>A (NM_001304482.2); short protein forms R57H.
Identifiers: ClinVar variation 4680943 (VCV004680943.2).

ClinVar aggregate classification (germline): Uncertain significance (1 of 4 stars; one submission).

Submission:

GeneDx
Classification: Uncertain significance. Last evaluated: 2026-06-16. Review status: criteria provided, single submitter. Criteria: GeneDx Variant Classification Process June 2021. Collection method: clinical testing. Allele origin: germline.
Comment: In silico analysis suggests that this missense variant does not alter protein structure/function; Has not been previously published as pathogenic or benign to our knowledge